The following is an entry in ClinVar:

ClinVar aggregate classification (germline): Pathogenic (1 of 4 stars; one submission).

Conditions:
Charcot-Marie-Tooth disease type 4. Also called: Charcot-Marie-Tooth, Type 4; Charcot-Marie-Tooth disease, type IV. Identifiers: Orphanet 64749, MedGen C4082197, MONDO:0018995.

Submission:

Labcorp Genetics (formerly Invitae), Labcorp
Classification: Pathogenic for Charcot-Marie-Tooth disease type 4. Last evaluated: 2023-01-04. Review status: criteria provided, single submitter. Criteria: Invitae Variant Classification Sherloc (09022015). Collection method: clinical testing. Allele origin: germline.
Comment: For these reasons, this variant has been classified as Pathogenic. This variant has not been reported in the literature in individuals affected with SH3TC2-related conditions. This variant is not present in population databases (gnomAD no frequency). This sequence change creates a premature translational stop signal (p.Pro667Cysfs*3) in the SH3TC2 gene. It is expected to result in an absent or disrupted protein product. Loss-of-function variants in SH3TC2 are known to be pathogenic (PMID: 20220177, 27068304).

Literature cited by the submitters: PubMed 20220177; PubMed 27068304.

NM_024577.4(SH3TC2):c.1998_1999del (p.Pro667fs)

Gene: SH3TC2 (SH3 domain and tetratricopeptide repeats 2; minus strand). Cytogenetic location: 5q32.
Variant type: Deletion.
Coding change: c.1998_1999del on transcript NM_024577.4 (MANE Select); coding-DNA positions 1998 to 1999, 2 bases deleted (TC; older notation c.1998_1999delTC).
Protein change: p.Pro667fs; shifts the reading frame from proline 667.
Molecular consequence: frameshift variant.
Genome position (GRCh38, 1-based): chr5:149,027,733-149,027,734, GA deleted on the plus strand (TC on the coding strand, the reverse complement: SH3TC2 is on the minus strand); deleting any 2 consecutive bases within chr5:149,027,733-149,027,735 gives the same sequence; the c. name uses the placement nearest the transcript's 3' end. VCF-style (leftmost placement, unchanged base first): chr5-149027732-GGA-G. GRCh37 (hg19) VCF-style: chr5-148407295-GGA-G.
Other names: short protein forms P667fs.
Identifiers: ClinVar variation 2826100 (VCV002826100.3), dbSNP rs2531772821, ClinGen allele CA2739272733.
Genomic context (GRCh38, chr5:149,027,732, plus strand): 5'-TGTGGAAGATATTTCTTGTCATACAGAAAACTCAAAACACTGGCCACAGCCTCAGAGGCA[GGA>G]GGGTGTCCAGAGAGGAGCTGCAGGCGCTCGGCAAAGGGCAGGACCTCCTCGTGCCGGCCT-3'